The following is an entry in ClinVar:

NM_022765.4(MICAL1):c.523A>C (p.Ile175Leu)

Gene: MICAL1 (microtubule associated monooxygenase, calponin and LIM domain containing 1; minus strand). Cytogenetic location: 6q21.
Variant type: single nucleotide variant.
Coding change: c.523A>C on transcript NM_022765.4 (MANE Select); coding-DNA position 523, A replaced by C.
Protein change: p.Ile175Leu; replaces isoleucine 175 with leucine.
Molecular consequence: missense variant.
Genome position (GRCh38, 1-based): chr6:109,453,311, T>G on the plus strand (A>C on the coding strand, the complement: MICAL1 is on the minus strand). VCF-style: chr6-109453311-T-G. GRCh37 (hg19) VCF-style: chr6-109774514-T-G.
Other names: c.523A>C, p.Ile175Leu (NM_001159291.2); c.580A>C, p.Ile194Leu (NM_001286613.2); short protein forms I194L, I175L.
Identifiers: ClinVar variation 2117272 (VCV002117272.4), dbSNP rs1427602066, ClinGen allele CA365233130.

ClinVar aggregate classification (germline): Uncertain significance (1 of 4 stars; one submission).

Allele frequency attached by ClinVar (database versions not stated): TOPMed below 0.00001; gnomAD 0.00001.
gnomAD v4.1: 1 of 1,613,994 alleles (0.000062%); highest among the groups gnomAD compares: Non-Finnish European, 0.000085%; no homozygotes.

Submission:

Labcorp Genetics (formerly Invitae), Labcorp
Classification: Uncertain significance. Last evaluated: 2022-06-02. Review status: criteria provided, single submitter. Criteria: Invitae Variant Classification Sherloc (09022015). Collection method: clinical testing. Allele origin: germline.
Comment: This sequence change replaces isoleucine, which is neutral and non-polar, with leucine, which is neutral and non-polar, at codon 194 of the MICAL1 protein (p.Ile194Leu). In summary, the available evidence is currently insufficient to determine the role of this variant in disease. Therefore, it has been classified as a Variant of Uncertain Significance. Algorithms developed to predict the effect of missense changes on protein structure and function (SIFT, PolyPhen-2, Align-GVGD) all suggest that this variant is likely to be tolerated. This variant has not been reported in the literature in individuals affected with MICAL1-related conditions. This variant is not present in population databases (gnomAD no frequency).